The following is an entry in ClinVar:

ClinVar aggregate classification (germline): Uncertain significance (1 of 4 stars; one submission).

Conditions:
Autosomal dominant hypocalcemia 1 (HYPOC1). Also called: HYPOCALCEMIA, FAMILIAL. Identifiers: MedGen C3715128, MONDO:0011013, OMIM 601198.
Familial hypocalciuric hypercalcemia (FHH). Also called: Familial benign hypercalcemia. Identifiers: Orphanet 405, MedGen C1809471, MONDO:0018458.

Submission:

Labcorp Genetics (formerly Invitae), Labcorp
Classification: Uncertain significance for Familial hypocalciuric hypercalcemia; Autosomal dominant hypocalcemia 1. Last evaluated: 2023-04-09. Review status: criteria provided, single submitter. Criteria: Invitae Variant Classification Sherloc (09022015). Collection method: clinical testing. Allele origin: germline.
Comment: In summary, the available evidence is currently insufficient to determine the role of this variant in disease. Therefore, it has been classified as a Variant of Uncertain Significance. An algorithm developed to predict the effect of missense changes on protein structure and function (PolyPhen-2) suggests that this variant is likely to be tolerated. This variant has not been reported in the literature in individuals affected with CASR-related conditions. This variant is not present in population databases (gnomAD no frequency). This sequence change replaces arginine, which is basic and polar, with serine, which is neutral and polar, at codon 535 of the CASR protein (p.Arg535Ser).

NM_000388.4(CASR):c.1605G>T (p.Arg535Ser)

Gene: CASR (calcium sensing receptor; plus strand). Cytogenetic location: 3q21.1.
Variant type: single nucleotide variant.
Coding change: c.1605G>T on transcript NM_000388.4 (MANE Select); coding-DNA position 1605, G replaced by T.
Protein change: p.Arg535Ser; replaces arginine 535 with serine.
Molecular consequence: missense variant.
Genome position (GRCh38, 1-based): chr3:122,276,039, G>T. VCF-style: chr3-122276039-G-T. GRCh37 (hg19) VCF-style: chr3-121994886-G-T.
Other names: c.1605G>T, p.Arg535Ser (NM_001178065.2); short protein forms R535S.
Identifiers: ClinVar variation 2923553 (VCV002923553.3), dbSNP rs762299355, ClinGen allele CA354155587.
Genomic context (GRCh38, chr3:122,276,039, plus strand): 5'-CAAGAAGGGAGAAAGACTCTTCATCAACGAGGAGAAAATCCTGTGGAGTGGGTTCTCCAG[G>T]GAGGTAGGTGCTGTCCATCAGAAAACCAGATGTCTCCACCAGGGGCAGGAAACTGTGCTG-3'
Protein context (NP_000379.3, residues 525-545): EEKILWSGFS[Arg535Ser]EVPFSNCSRD